The following is an entry in ClinVar:

NM_007194.4(CHEK2):c.1074A>T (p.Gln358His)

Gene: CHEK2 (checkpoint kinase 2; minus strand). Cytogenetic location: 22q12.1.
Variant type: single nucleotide variant.
Coding change: c.1074A>T on transcript NM_007194.4 (MANE Select); coding-DNA position 1074, A replaced by T.
Protein change: p.Gln358His; replaces glutamine 358 with histidine.
Molecular consequence: missense variant. On other transcripts: intron variant (3).
Genome position (GRCh38, 1-based): chr22:28,696,922, T>A on the plus strand (A>T on the coding strand, the complement: CHEK2 is on the minus strand). VCF-style: chr22-28696922-T-A. GRCh37 (hg19) VCF-style: chr22-29092910-T-A.
Other names: c.1203A>T, p.Gln401His (NM_001005735.3); c.411A>T, p.Gln137His (NM_001257387.3, NM_001437942.1); c.873A>T, p.Gln291His (NM_001349956.3); c.1167A>T, p.Gln389His (NM_001438293.1); c.1009-1049A>T (NM_145862.3); c.1102-1049A>T (NM_001438295.1); c.1138-1049A>T (NM_001438294.1); short protein forms Q291H, Q358H, Q401H, Q137H, Q389H.
Identifiers: ClinVar variation 3492194 (VCV003492194.1).
Genomic context (GRCh38, chr22:28,696,922, plus strand): 5'-TCTACAGGAATAGCCACATACAGAATGCCAATTTCTTACCTTTATAAGACAGTCCTCTTC[T>A]TGAGATGACAGTAAAACATTCTCTGGCTTTAAGTCACGGTGTATAATACCGTTTTCATGA-3'
Protein context (NP_009125.1, residues 348-368): LKPENVLLSS[Gln358His]EEDCLIKITD

ClinVar aggregate classification (germline): Uncertain significance (1 of 4 stars; one submission).

Conditions:
Hereditary cancer-predisposing syndrome. Also called: Tumor predisposition; Neoplastic Syndromes, Hereditary; Hereditary Cancer Syndrome; Hereditary neoplastic syndrome. Identifiers: Orphanet 140162, MedGen C0027672, MeSH D009386, MONDO:0015356.

Submission:

Ambry Genetics
Classification: Uncertain significance for Hereditary cancer-predisposing syndrome. Last evaluated: 2024-10-08. Review status: criteria provided, single submitter. Criteria: Ambry Variant Classification Scheme 2023. Collection method: clinical testing. Allele origin: germline.
Comment: The p.Q358H variant (also known as c.1074A>T), located in coding exon 9 of the CHEK2 gene, results from an A to T substitution at nucleotide position 1074. The glutamine at codon 358 is replaced by histidine, an amino acid with highly similar properties. This amino acid position is conserved. In addition, this alteration is predicted to be tolerated by in silico analysis. Based on the available evidence, the clinical significance of this variant remains unclear.